The following is an entry in ClinVar:

ClinVar aggregate classification (germline): Uncertain significance (1 of 4 stars; one submission).

gnomAD v4.1: 1 of 1,614,076 alleles (0.000062%); highest among the groups gnomAD compares: Non-Finnish European, 0.000085%; no homozygotes.

Submission:

GeneDx
Classification: Uncertain significance. Last evaluated: 2026-08-26. Review status: criteria provided, single submitter. Criteria: GeneDx Variant Classification Process June 2021. Collection method: clinical testing. Allele origin: germline.
Comment: Not observed at significant frequency in large population cohorts (gnomAD); In silico analysis supports that this missense variant has a deleterious effect on protein structure/function; Has not been previously published as pathogenic or benign to our knowledge

NM_020338.4(ZMIZ1):c.2254C>T (p.Pro752Ser)

Gene: ZMIZ1 (zinc finger MIZ-type containing 1; plus strand). Cytogenetic location: 10q22.3.
Variant type: single nucleotide variant.
Coding change: c.2254C>T on transcript NM_020338.4 (MANE Select); coding-DNA position 2254, C replaced by T.
Protein change: p.Pro752Ser; replaces proline 752 with serine.
Molecular consequence: missense variant.
Genome position (GRCh38, 1-based): chr10:79,304,143, C>T. VCF-style: chr10-79304143-C-T. GRCh37 (hg19) VCF-style: chr10-81063900-C-T.
Other names: short protein forms P752S.
Identifiers: ClinVar variation 4527915 (VCV004527915.2).